The following is an entry in ClinVar:

ClinVar aggregate classification (germline): Uncertain significance. Review status: criteria provided, single submitter (1 of 4 stars). 2 submissions from 2 submitters: Uncertain significance (1). 1 of the submissions does not count toward it. Last evaluated 2022-07-17.

Conditions:
Alstrom syndrome (ALMS). Identifiers: Orphanet 64, MedGen C0268425, MONDO:0008763, OMIM 203800.

Allele frequency attached by ClinVar (database versions not stated): gnomAD exomes below 0.00001.
gnomAD v4.1: 1 of 1,608,194 alleles (0.000062%); highest among the groups gnomAD compares: East Asian, 0.0022%; no homozygotes.

Submissions (2):

Labcorp Genetics (formerly Invitae), Labcorp
Classification: Uncertain significance for Alstrom syndrome. Last evaluated: 2022-07-17. Review status: criteria provided, single submitter. Criteria: Invitae Variant Classification Sherloc (09022015). Collection method: clinical testing. Allele origin: germline.
Comment: This sequence change falls in intron 22 of the ALMS1 gene. It does not directly change the encoded amino acid sequence of the ALMS1 protein. It affects a nucleotide within the consensus splice site. This variant is not present in population databases (gnomAD no frequency). This variant has not been reported in the literature in individuals affected with ALMS1-related conditions. ClinVar contains an entry for this variant (Variation ID: 558075). Variants that disrupt the consensus splice site are a relatively common cause of aberrant splicing (PMID: 17576681, 9536098). Algorithms developed to predict the effect of sequence changes on RNA splicing suggest that this variant may disrupt the consensus splice site. In summary, the available evidence is currently insufficient to determine the role of this variant in disease. Therefore, it has been classified as a Variant of Uncertain Significance.

Counsyl
Classification: Uncertain significance for Alstrom syndrome. Last evaluated: 2018-05-01. Review status: no assertion criteria provided. Collection method: clinical testing. Allele origin: unknown. Not counted in ClinVar's aggregate classification.

Literature cited by the submitters: PubMed 17576681 (cited by Labcorp Genetics (formerly Invitae), Labcorp); PubMed 9536098 (cited by Labcorp Genetics (formerly Invitae), Labcorp).

NM_001378454.1(ALMS1):c.12462+5G>A

Gene: ALMS1 (ALMS1 centrosome and basal body associated protein; plus strand). Cytogenetic location: 2p13.1.
Variant type: single nucleotide variant.
Coding change: c.12462+5G>A on transcript NM_001378454.1 (MANE Select); 5 bases into the intron after coding-DNA position 12462, G replaced by A.
Molecular consequence: intron variant.
Genome position (GRCh38, 1-based): chr2:73,608,579, G>A. VCF-style: chr2-73608579-G-A. GRCh37 (hg19) VCF-style: chr2-73835706-G-A.
Other names: c.12465+5G>A (NM_015120.4); c.12462+5G>A (NM_015120.4).
Identifiers: ClinVar variation 558075 (VCV000558075.5), dbSNP rs1553422678, ClinGen allele CA658822409.